The following is an entry in ClinVar:

ClinVar aggregate classification (germline): Uncertain significance (1 of 4 stars; one submission).

Conditions:
Duchenne muscular dystrophy (DMD). Also called: MUSCULAR DYSTROPHY, PSEUDOHYPERTROPHIC PROGRESSIVE, DUCHENNE TYPE; Duchenne Muscular Dystrophy (DMD). Identifiers: Orphanet 98896, MedGen C0013264, MONDO:0010679, OMIM 310200.

Submission:

Labcorp Genetics (formerly Invitae), Labcorp
Classification: Uncertain significance for Duchenne muscular dystrophy. Last evaluated: 2025-09-30. Review status: criteria provided, single submitter. Criteria: Invitae Variant Classification Sherloc (09022015). Collection method: clinical testing. Allele origin: germline.
Comment: This sequence change replaces glutamic acid, which is acidic and polar, with glutamine, which is neutral and polar, at codon 659 of the DMD protein (p.Glu659Gln). This variant is not present in population databases (gnomAD no frequency). This variant has not been reported in the literature in individuals affected with DMD-related conditions. ClinVar contains an entry for this variant (Variation ID: 2120521). Invitae Evidence Modeling of protein sequence and biophysical properties (such as structural, functional, and spatial information, amino acid conservation, physicochemical variation, residue mobility, and thermodynamic stability) indicates that this missense variant is not expected to disrupt DMD protein function with a negative predictive value of 95%. In summary, the available evidence is currently insufficient to determine the role of this variant in disease. Therefore, it has been classified as a Variant of Uncertain Significance.

NM_004006.3(DMD):c.1975G>C (p.Glu659Gln)

Gene: DMD (dystrophin; minus strand). Cytogenetic location: Xp21.1.
Variant type: single nucleotide variant.
Coding change: c.1975G>C on transcript NM_004006.3 (MANE Select); coding-DNA position 1975, G replaced by C.
Protein change: p.Glu659Gln; replaces glutamic acid 659 with glutamine.
Molecular consequence: missense variant.
Genome position (GRCh38, 1-based): chrX:32,565,719, C>G on the plus strand (G>C on the coding strand, the complement: DMD is on the minus strand). VCF-style: chrX-32565719-C-G. GRCh37 (hg19) VCF-style: chrX-32583836-C-G.
Other names: c.1951G>C, p.Glu651Gln (NM_000109.4); c.1963G>C, p.Glu655Gln (NM_004009.3); c.1606G>C, p.Glu536Gln (NM_004010.3); short protein forms E659Q, E536Q, E651Q, E655Q.
Identifiers: ClinVar variation 2120521 (VCV002120521.4), dbSNP rs748567438, ClinGen allele CA412672235.